The following is an entry in ClinVar:

NM_006545.5(NPRL2):c.653A>C (p.Asn218Thr)

Gene: NPRL2 (NPR2 like, GATOR1 complex subunit; minus strand). Cytogenetic location: 3p21.31.
Variant type: single nucleotide variant.
Coding change: c.653A>C on transcript NM_006545.5 (MANE Select); coding-DNA position 653, A replaced by C.
Protein change: p.Asn218Thr; replaces asparagine 218 with threonine.
Molecular consequence: missense variant.
Genome position (GRCh38, 1-based): chr3:50,348,715, T>G on the plus strand (A>C on the coding strand, the complement: NPRL2 is on the minus strand). VCF-style: chr3-50348715-T-G. GRCh37 (hg19) VCF-style: chr3-50386146-T-G.
Other names: short protein forms N218T.
Identifiers: ClinVar variation 3906642 (VCV003906642.1).
Genomic context (GRCh38, chr3:50,348,715, plus strand): 5'-TGTCCCAGGTATGACTGTAGGCCCACTCACAGCAGGTTCTGGATAGCAATGCGCACCAGG[T>G]TGAGCTCCACATCTGCCTCTGCTGAAATCTTCTGGATGTGGCGGAACCCATCAATGTAGG-3'
Protein context (NP_006536.3, residues 208-228): KISAEADVEL[Asn218Thr]LVRIAIQNLL

ClinVar aggregate classification (germline): Uncertain significance (1 of 4 stars; one submission).

Submission:

GeneDx
Classification: Uncertain significance. Last evaluated: 2024-12-18. Review status: criteria provided, single submitter. Criteria: GeneDx Variant Classification Process June 2021. Collection method: clinical testing. Allele origin: germline. Affected: yes.
Comment: Not observed at significant frequency in large population cohorts (gnomAD); In silico analysis indicates that this missense variant does not alter protein structure/function; Has not been previously published as pathogenic or benign to our knowledge